The following is an entry in ClinVar:

ClinVar aggregate classification (germline): Uncertain significance (1 of 4 stars; one submission).

Conditions:
Fanconi anemia (FA). Also called: Fanconi's anemia. Identifiers: Orphanet 84, MedGen C0015625, MeSH D005199, MONDO:0019391.

Submission:

Labcorp Genetics (formerly Invitae), Labcorp
Classification: Uncertain significance for Fanconi anemia. Last evaluated: 2021-08-09. Review status: criteria provided, single submitter. Criteria: Invitae Variant Classification Sherloc (09022015). Collection method: clinical testing. Allele origin: germline.
Comment: This variant, c.2881_2901del, results in the deletion of 7 amino acid(s) of the FANCM protein (p.Leu961_Leu967del), but otherwise preserves the integrity of the reading frame. This variant is not present in population databases (ExAC no frequency). This variant has not been reported in the literature in individuals affected with FANCM-related conditions. Experimental studies and prediction algorithms are not available or were not evaluated, and the functional significance of this variant is currently unknown. In summary, the available evidence is currently insufficient to determine the role of this variant in disease. Therefore, it has been classified as a Variant of Uncertain Significance.

NM_020937.4(FANCM):c.2881_2901del (p.Leu961_Leu967del)

Gene: FANCM (FA complementation group M; plus strand). Cytogenetic location: 14q21.2.
Variant type: Deletion.
Coding change: c.2881_2901del on transcript NM_020937.4 (MANE Select); coding-DNA positions 2881 to 2901, 21 bases deleted (CTTCCATTCGAAGAAGAGCTT).
Protein change: p.Leu961_Leu967del.
Molecular consequence: inframe deletion.
Genome position (GRCh38, 1-based): chr14:45,175,635-45,175,655, CTTCCATTCGAAGAAGAGCTT deleted; deleting any 21 consecutive bases within chr14:45,175,633-45,175,655 gives the same sequence; the c. name uses the placement nearest the transcript's 3' end. VCF-style (leftmost placement, unchanged base first): chr14-45175632-TTTCTTCCATTCGAAGAAGAGC-T. GRCh37 (hg19) VCF-style: chr14-45644835-TTTCTTCCATTCGAAGAAGAGC-T.
Other names: c.2803_2823del, p.Leu935_Leu941del (NM_001308133.2).
Identifiers: ClinVar variation 1427505 (VCV001427505.6), dbSNP rs1888630158, ClinGen allele CA962644299.